The following is an entry in ClinVar:

NM_001353345.2(SETD1B):c.5884C>T (p.Arg1962Trp)

Gene: SETD1B (SET domain containing 1B, histone lysine methyltransferase; plus strand). Cytogenetic location: 12q24.31.
Variant type: single nucleotide variant.
Coding change: c.5884C>T on transcript NM_001353345.2 (MANE Select); coding-DNA position 5884, C replaced by T.
Protein change: p.Arg1962Trp; replaces arginine 1962 with tryptophan.
Molecular consequence: missense variant.
Genome position (GRCh38, 1-based): chr12:121,830,222, C>T. VCF-style: chr12-121830222-C-T. GRCh37 (hg19) VCF-style: chr12-122268128-C-T.
Other names: short protein forms R1962W.
Identifiers: ClinVar variation 3391599 (VCV003391599.1).

ClinVar aggregate classification (germline): Uncertain significance (1 of 4 stars; one submission).

Submission:

GeneDx
Classification: Uncertain significance. Last evaluated: 2024-06-20. Review status: criteria provided, single submitter. Criteria: GeneDx Variant Classification Process June 2021. Collection method: clinical testing. Allele origin: germline. Affected: yes.
Comment: Not observed at significant frequency in large population cohorts (gnomAD); In silico analysis supports that this missense variant has a deleterious effect on protein structure/function; Has not been previously published as pathogenic or benign to our knowledge